The following is an entry in ClinVar:

NM_018486.3(HDAC8):c.211C>T (p.His71Tyr)

Gene: HDAC8 (histone deacetylase 8; minus strand). Cytogenetic location: Xq13.1.
Variant type: single nucleotide variant.
Coding change: c.211C>T on transcript NM_018486.3 (MANE Select); coding-DNA position 211, C replaced by T.
Protein change: p.His71Tyr; replaces histidine 71 with tyrosine.
Molecular consequence: missense variant. On other transcripts: non-coding transcript variant (1), intron variant (3).
Genome position (GRCh38, 1-based): chrX:72,568,838, G>A on the plus strand (C>T on the coding strand, the complement: HDAC8 is on the minus strand). VCF-style: chrX-72568838-G-A. GRCh37 (hg19) VCF-style: chrX-71788688-G-A.
Other names: c.211C>T, p.His71Tyr (NM_001166419.2, NM_001166420.2, NM_001166422.2 and 4 more transcripts); c.164+3219C>T (NM_001166418.2, NM_001410728.1, NM_001166448.2); short protein forms H71Y.
Identifiers: ClinVar variation 2500631 (VCV002500631.1), dbSNP rs2522179484, ClinGen allele CA413575671.

ClinVar aggregate classification (germline): Pathogenic (1 of 4 stars; one submission).

Submission:

GeneDx
Classification: Pathogenic. Last evaluated: 2022-10-19. Review status: criteria provided, single submitter. Criteria: GeneDx Variant Classification Process June 2021. Collection method: clinical testing. Allele origin: germline. Affected: yes.
Comment: Published functional studies demonstrate enzymatic activity of p.H71Y is significantly damaged (Kaiser et al., 2014); Identified in the heterozygous state in two individuals, likely from the same family, with mild intellectual disability, autism spectrum disorder, arched eyebrows, synophrys, and low anterior hairline in published literature (Kaiser et al., 2014); In silico analysis supports that this missense variant has a deleterious effect on protein structure/function; Not observed at significant frequency in large population cohorts (gnomAD); This variant is associated with the following publications: (PMID: 24403048)